The following is an entry in ClinVar:

NM_000548.5(TSC2):c.3667A>G (p.Ile1223Val)

Gene: TSC2 (TSC complex subunit 2; plus strand). Cytogenetic location: 16p13.3.
Variant type: single nucleotide variant.
Coding change: c.3667A>G on transcript NM_000548.5 (MANE Select); coding-DNA position 3667, A replaced by G.
Protein change: p.Ile1223Val; replaces isoleucine 1223 with valine.
Molecular consequence: missense variant. On other transcripts: non-coding transcript variant (5).
Genome position (GRCh38, 1-based): chr16:2,081,651, A>G. VCF-style: chr16-2081651-A-G. GRCh37 (hg19) VCF-style: chr16-2131652-A-G.
Other names: c.3664A>G, p.Ile1222Val (NM_001406663.1, NM_001406664.1); c.3535A>G, p.Ile1179Val (NM_001406665.1, NM_001370404.1, NM_001077183.3); c.3628A>G, p.Ile1210Val (NM_001406667.1); c.3625A>G, p.Ile1209Val (NM_001406668.1); c.3556A>G, p.Ile1186Val (NM_001406670.1); c.3526A>G, p.Ile1176Val (NM_001406671.1); c.3523A>G, p.Ile1175Val (NM_001406673.1); c.3520A>G, p.Ile1174Val (NM_001406675.1); and 18 more; short protein forms I1022V, I1023V, I1026V, I1130V, I1131V, I1142V, I1143V, I1160V.
Identifiers: ClinVar variation 3626374 (VCV003626374.2).

ClinVar aggregate classification (germline): Uncertain significance (1 of 4 stars; one submission).

Conditions:
Tuberous sclerosis 2 (TSC2). Identifiers: Orphanet 805, MedGen C1860707, MONDO:0013199, OMIM 613254.

gnomAD v4.1: 1 of 1,612,956 alleles (0.000062%); highest among the groups gnomAD compares: Non-Finnish European, 0.000085%; no homozygotes.

Submission:

Labcorp Genetics (formerly Invitae), Labcorp
Classification: Uncertain significance for Tuberous sclerosis 2. Last evaluated: 2024-03-20. Review status: criteria provided, single submitter. Criteria: Invitae Variant Classification Sherloc (09022015). Collection method: clinical testing. Allele origin: germline.
Comment: This sequence change replaces isoleucine, which is neutral and non-polar, with valine, which is neutral and non-polar, at codon 1223 of the TSC2 protein (p.Ile1223Val). This variant is not present in population databases (gnomAD no frequency). This variant has not been reported in the literature in individuals affected with TSC2-related conditions. Advanced modeling of protein sequence and biophysical properties (such as structural, functional, and spatial information, amino acid conservation, physicochemical variation, residue mobility, and thermodynamic stability) performed at Invitae indicates that this missense variant is not expected to disrupt TSC2 protein function with a negative predictive value of 95%. In summary, the available evidence is currently insufficient to determine the role of this variant in disease. Therefore, it has been classified as a Variant of Uncertain Significance.